The following is an entry in ClinVar:

ClinVar aggregate classification (germline): Likely benign. Review status: criteria provided, multiple submitters, no conflicts (2 of 4 stars). 3 submissions from 3 submitters: Likely benign (2). 1 of the submissions does not count toward it. Last evaluated 2025-09-24.

Conditions:
UBR1-related disorder. Also called: UBR1-related condition.

Allele frequency attached by ClinVar (database versions not stated): 1000 Genomes Project 30x 0.00016; 1000 Genomes Project 0.00020; gnomAD 0.00052 and 0.00053; TOPMed 0.00055; ExAC 0.00059; gnomAD exomes 0.00061 and 0.00116; ESP Exome Variant Server 0.00062.
gnomAD v4.1: 1,760 of 1,612,880 alleles (0.11%); highest among the groups gnomAD compares: Non-Finnish European, 0.14%; 2 homozygotes.

Submissions (3):

Labcorp Genetics (formerly Invitae), Labcorp
Classification: Likely benign. Last evaluated: 2025-09-24. Review status: criteria provided, single submitter. Criteria: Invitae Variant Classification Sherloc (09022015). Collection method: clinical testing. Allele origin: germline.

Blueprint Genetics
Classification: Likely benign. Last evaluated: 2024-11-25. Review status: criteria provided, single submitter. Criteria: ACMG Guidelines, 2015. Collection method: clinical testing. Allele origin: germline.

PreventionGenetics, part of Exact Sciences
Classification: Likely benign for UBR1-related condition. Last evaluated: 2023-09-01. Review status: no assertion criteria provided. Collection method: clinical testing. Allele origin: germline. Not counted in ClinVar's aggregate classification.
Comment: This variant is classified as likely benign based on ACMG/AMP sequence variant interpretation guidelines (Richards et al. 2015 PMID: 25741868, with internal and published modifications).

NM_174916.3(UBR1):c.1911+19T>C

Gene: UBR1 (ubiquitin protein ligase E3 component n-recognin 1; minus strand). Cytogenetic location: 15q15.2.
Variant type: single nucleotide variant.
Coding change: c.1911+19T>C on transcript NM_174916.3 (MANE Select); 19 bases into the intron after coding-DNA position 1911, T replaced by C.
Molecular consequence: intron variant.
Genome position (GRCh38, 1-based): chr15:43,038,152, A>G on the plus strand (T>C on the coding strand, the complement: UBR1 is on the minus strand). VCF-style: chr15-43038152-A-G. GRCh37 (hg19) VCF-style: chr15-43330350-A-G.
Other names: c.1911+19T>C (NM_174916.2).
Identifiers: ClinVar variation 1629909 (VCV001629909.11), dbSNP rs377744150, ClinGen allele CA7518620.